The following is an entry in ClinVar:

NM_024529.5(CDC73):c.1233G>C (p.Gln411His)

Gene: CDC73 (cell division cycle 73; plus strand). Cytogenetic location: 1q31.2.
Variant type: single nucleotide variant.
Coding change: c.1233G>C on transcript NM_024529.5 (MANE Select); coding-DNA position 1233, G replaced by C.
Protein change: p.Gln411His; replaces glutamine 411 with histidine.
Molecular consequence: missense variant.
Genome position (GRCh38, 1-based): chr1:193,233,071, G>C. VCF-style: chr1-193233071-G-C. GRCh37 (hg19) VCF-style: chr1-193202201-G-C.
Other names: short protein forms Q411H.
Identifiers: ClinVar variation 3488531 (VCV003488531.3).
Genomic context (GRCh38, chr1:193,233,071, plus strand): 5'-AAAGAAGAAACAAGGTTGTCAACGAGAAAATGAAACTCTAATACAAAGAAGAAAAGACCA[G>C]ATGCAACCAGGGGGCACTGCAATTAGTGTTACAGTACCTTATAGAGTAGTAGACCAGCCC-3'
Protein context (NP_078805.3, residues 401-421): NETLIQRRKD[Gln411His]MQPGGTAISV

ClinVar aggregate classification (germline): Uncertain significance. Review status: criteria provided, multiple submitters, no conflicts (2 of 4 stars). 2 submissions from 2 submitters: Uncertain significance (2). Last evaluated 2024-10-24.

Conditions:
Hereditary cancer-predisposing syndrome. Also called: Tumor predisposition; Neoplastic Syndromes, Hereditary; Hereditary Cancer Syndrome; Hereditary neoplastic syndrome. Identifiers: Orphanet 140162, MedGen C0027672, MeSH D009386, MONDO:0015356.
Parathyroid carcinoma (PRTC). Also called: CDC73-Related Parathyroid Carcinoma; Parathyroid gland carcinoma. Identifiers: Orphanet 143, MedGen C0687150, MONDO:0012004, OMIM 608266, HP:0006780.

gnomAD v4.1: 1 of 1,613,360 alleles (0.000062%); highest among the groups gnomAD compares: South Asian, 0.0011%; no homozygotes.

Submissions (2):

Ambry Genetics
Classification: Uncertain significance for Hereditary cancer-predisposing syndrome. Last evaluated: 2024-10-24. Review status: criteria provided, single submitter. Criteria: Ambry Variant Classification Scheme 2023. Collection method: clinical testing. Allele origin: germline.
Comment: The p.Q411H variant (also known as c.1233G>C), located in coding exon 14 of the CDC73 gene, results from a G to C substitution at nucleotide position 1233. The glutamine at codon 411 is replaced by histidine, an amino acid with highly similar properties. This amino acid position is conserved. In addition, this alteration is predicted to be tolerated by in silico analysis. Based on the available evidence, the clinical significance of this variant remains unclear.

Labcorp Genetics (formerly Invitae), Labcorp
Classification: Uncertain significance for Parathyroid carcinoma. Last evaluated: 2024-04-11. Review status: criteria provided, single submitter. Criteria: Invitae Variant Classification Sherloc (09022015). Collection method: clinical testing. Allele origin: germline.
Comment: This sequence change replaces glutamine, which is neutral and polar, with histidine, which is basic and polar, at codon 411 of the CDC73 protein (p.Gln411His). This variant is present in population databases (no rsID available, gnomAD 0.003%). This variant has not been reported in the literature in individuals affected with CDC73-related conditions. Advanced modeling of protein sequence and biophysical properties (such as structural, functional, and spatial information, amino acid conservation, physicochemical variation, residue mobility, and thermodynamic stability) performed at Invitae indicates that this missense variant is not expected to disrupt CDC73 protein function with a negative predictive value of 80%. In summary, the available evidence is currently insufficient to determine the role of this variant in disease. Therefore, it has been classified as a Variant of Uncertain Significance.